The following is an entry in ClinVar:

NM_001182.5(ALDH7A1):c.517+4A>C

Gene: ALDH7A1 (aldehyde dehydrogenase 7 family member A1; minus strand). Cytogenetic location: 5q23.2.
Variant type: single nucleotide variant.
Coding change: c.517+4A>C on transcript NM_001182.5 (MANE Select); 4 bases into the intron after coding-DNA position 517, A replaced by C.
Molecular consequence: intron variant.
Genome position (GRCh38, 1-based): chr5:126,582,847, T>G on the plus strand (A>C on the coding strand, the complement: ALDH7A1 is on the minus strand). VCF-style: chr5-126582847-T-G. GRCh37 (hg19) VCF-style: chr5-125918539-T-G.
Other names: c.517+4A>C (NM_001202404.2); c.433+4A>C (NM_001201377.2).
Identifiers: ClinVar variation 1379394 (VCV001379394.4), dbSNP rs370875826, ClinGen allele CA3389757.

ClinVar aggregate classification (germline): Uncertain significance. Review status: criteria provided, multiple submitters, no conflicts (2 of 4 stars). 2 submissions from 2 submitters: Uncertain significance (2). Last evaluated 2024-06-24.

Conditions:
Pyridoxine-dependent epilepsy (EPEO4). Also called: Pyridoxine-Dependent Epilepsy - ALDH7A1; PYRIDOXINE DEPENDENCY WITH SEIZURES; EPILEPSY, EARLY-ONSET, 4, VITAMIN B6-DEPENDENT; Pyridoxine-Dependent Seizures. Identifiers: Orphanet 3006, MedGen C1849508, MONDO:0009945, OMIM 266100. Disease mechanism: loss of function.

Allele frequency attached by ClinVar (database versions not stated): gnomAD exomes below 0.00001; gnomAD 0.00003; ESP Exome Variant Server 0.00008; ExAC 0.00001; TOPMed 0.00002.
gnomAD v4.1: 5 of 1,612,058 alleles (0.00031%); highest among the groups gnomAD compares: Non-Finnish European, 0.00042%; no homozygotes.

Submissions (2):

Women's Health and Genetics/Laboratory Corporation of America, LabCorp
Classification: Uncertain significance. Last evaluated: 2024-06-24. Review status: criteria provided, single submitter. Criteria: LabCorp Variant Classification Summary - May 2015. Collection method: clinical testing. Allele origin: germline.

Labcorp Genetics (formerly Invitae), Labcorp
Classification: Uncertain significance for Pyridoxine-dependent epilepsy. Last evaluated: 2021-08-19. Review status: criteria provided, single submitter. Criteria: Invitae Variant Classification Sherloc (09022015). Collection method: clinical testing. Allele origin: germline.
Comment: This sequence change falls in intron 5 of the ALDH7A1 gene. It does not directly change the encoded amino acid sequence of the ALDH7A1 protein. It affects a nucleotide within the consensus splice site of the intron. This variant is present in population databases (rs370875826, ExAC 0.001%). This variant has not been reported in the literature in individuals affected with ALDH7A1-related conditions. Variants that disrupt the consensus splice site are a relatively common cause of aberrant splicing (PMID: 17576681, 9536098). Algorithms developed to predict the effect of sequence changes on RNA splicing suggest that this variant may disrupt the consensus splice site. In summary, the available evidence is currently insufficient to determine the role of this variant in disease. Therefore, it has been classified as a Variant of Uncertain Significance.

Literature cited by the submitters: PubMed 17576681 (cited by Labcorp Genetics (formerly Invitae), Labcorp); PubMed 9536098 (cited by Labcorp Genetics (formerly Invitae), Labcorp).